The following is an entry in ClinVar:

NM_014975.3(MAST1):c.2340G>C (p.Glu780Asp)

Genes: MAST1 (microtubule associated serine/threonine kinase 1; plus strand), LOC112543452 (Sharpr-MPRA regulatory region 6054; plus strand). Cytogenetic location: 19p13.13.
Variant type: single nucleotide variant.
Coding change: c.2340G>C on transcript NM_014975.3 (MANE Select); coding-DNA position 2340, G replaced by C.
Protein change: p.Glu780Asp; replaces glutamic acid 780 with aspartic acid.
Molecular consequence: missense variant.
Genome position (GRCh38, 1-based): chr19:12,867,751, G>C. VCF-style: chr19-12867751-G-C. GRCh37 (hg19) VCF-style: chr19-12978565-G-C.
Other names: short protein forms E780D.
Identifiers: ClinVar variation 4883600 (VCV004883600.2).

ClinVar aggregate classification (germline): Uncertain significance (1 of 4 stars; one submission).

Conditions:
MAST1-related developmental disorder (monoallelic).

Submission:

Dasa
Classification: Uncertain significance for MAST1-related developmental disorder (monoallelic). Last evaluated: 2024-12-15. Review status: criteria provided, single submitter. Criteria: DASA Assertion Criteria. Collection method: clinical testing. Allele origin: germline.
Comment: NM_014975.3(MAST1):c.2340G>C (p.Glu780Asp) is a missense variant that results in the substitution of glutamic acid with aspartic acid. This variant is absent from population databases. Computational prediction algorithms are consistent with a benign effect. The currently available literature and clinical evidence are not sufficient to establish a definitive association between this variant and the reported condition. Therefore, this variant is classified as a variant of uncertain significance.